The following is an entry in ClinVar:

NM_152564.5(VPS13B):c.453A>G (p.Val151=)

Gene: VPS13B (vacuolar protein sorting 13 homolog B; plus strand). Cytogenetic location: 8q22.2.
Variant type: single nucleotide variant.
Coding change: c.453A>G on transcript NM_152564.5 (MANE Select); coding-DNA position 453, A replaced by G.
Protein change: p.Val151=; no amino-acid change (valine 151 retained).
Molecular consequence: synonymous variant. On other transcripts: non-coding transcript variant (1).
Genome position (GRCh38, 1-based): chr8:99,102,993, A>G. VCF-style: chr8-99102993-A-G. GRCh37 (hg19) VCF-style: chr8-100115221-A-G.
Other names: c.453A>G (NM_152564.4); c.453A>G, p.Val151= (NM_015243.3, NM_017890.5, NM_181661.3).
Identifiers: ClinVar variation 1146067 (VCV001146067.11), dbSNP rs148436198, ClinGen allele CA4822395.

ClinVar aggregate classification (germline): Likely benign. Review status: criteria provided, multiple submitters, no conflicts (2 of 4 stars). 3 submissions from 3 submitters: Likely benign (3). Last evaluated 2025-09-29.

Conditions:
VPS13B-related disorder. Also called: VPS13B-related condition.
Cohen syndrome (COH1). Also called: Cutis verticis gyrata, retinitis pigmentosa, and sensorineural deafness; PEPPER SYNDROME. Identifiers: Orphanet 193, MedGen C0265223, MONDO:0008999, OMIM 216550.

Allele frequency attached by ClinVar (database versions not stated): gnomAD exomes below 0.00001; gnomAD 0.00002; TOPMed 0.00006; ESP Exome Variant Server 0.00015.
gnomAD v4.1: 5 of 1,611,994 alleles (0.00031%); highest among the groups gnomAD compares: African/African-American, 0.0067%; no homozygotes.

Submissions (3):

Labcorp Genetics (formerly Invitae), Labcorp
Classification: Likely benign for Cohen syndrome. Last evaluated: 2025-09-29. Review status: criteria provided, single submitter. Criteria: Invitae Variant Classification Sherloc (09022015). Collection method: clinical testing. Allele origin: germline.

PreventionGenetics, part of Exact Sciences
Classification: Likely benign for VPS13B-related condition. Last evaluated: 2024-10-07. Review status: criteria provided, single submitter. Criteria: ACMG Guidelines, 2015. Collection method: clinical testing. Allele origin: germline.
Comment: This variant is classified as likely benign based on ACMG/AMP sequence variant interpretation guidelines (Richards et al. 2015 PMID: 25741868, with internal and published modifications).

Blueprint Genetics
Classification: Likely benign. Last evaluated: 2019-10-10. Review status: criteria provided, single submitter. Criteria: ACMG Guidelines, 2015. Collection method: clinical testing. Allele origin: germline.